The following is an entry in ClinVar:

NM_000548.5(TSC2):c.5161-18C>T

Gene: TSC2 (TSC complex subunit 2; plus strand). Cytogenetic location: 16p13.3.
Variant type: single nucleotide variant.
Coding change: c.5161-18C>T on transcript NM_000548.5 (MANE Select); 18 bases into the intron before coding-DNA position 5161, C replaced by T.
Molecular consequence: intron variant.
Genome position (GRCh38, 1-based): chr16:2,088,209, C>T. VCF-style: chr16-2088209-C-T. GRCh37 (hg19) VCF-style: chr16-2138210-C-T.
Other names: c.5092-18C>T (NM_001114382.3); c.5032-18C>T (NM_021055.3); c.5032-30C>T (NM_001370405.1); c.4963-18C>T (NM_001363528.2); c.5029-18C>T (NM_001370404.1); c.4960-18C>T (NM_001077183.3); c.4852-18C>T (NM_001318827.2); c.4429-18C>T (NM_001318831.2); and 2 more.
Identifiers: ClinVar variation 1629937 (VCV001629937.9), dbSNP rs747362965, ClinGen allele CA718904869.
Genomic context (GRCh38, chr16:2,088,209, plus strand): 5'-GGTGGGTCCAGGCGTGAGCTGGTGGGACAGGCCCAGGTGCCACCTGATAGTGAGCTCACC[C>T]CCTGCCTACGTCCCCAGATGGCCTCACAGGTGCATCATAGCCGCTCCAACCCCACCGATA-3'

ClinVar aggregate classification (germline): Likely benign. Review status: criteria provided, multiple submitters, no conflicts (2 of 4 stars). 2 submissions from 2 submitters: Likely benign (2). Last evaluated 2026-01-11.

Conditions:
Tuberous sclerosis 2 (TSC2). Identifiers: Orphanet 805, MedGen C1860707, MONDO:0013199, OMIM 613254.

Allele frequency attached by ClinVar (database versions not stated): gnomAD 0.00001; TOPMed 0.00001.
gnomAD v4.1: 3 of 1,612,996 alleles (0.00019%); highest among the groups gnomAD compares: Admixed American, 0.0017%; no homozygotes.

Submissions (2):

Labcorp Genetics (formerly Invitae), Labcorp
Classification: Likely benign for Tuberous sclerosis 2. Last evaluated: 2026-01-11. Review status: criteria provided, single submitter. Criteria: Invitae Variant Classification Sherloc (09022015). Collection method: clinical testing. Allele origin: germline.

Myriad Genetics, Inc.
Classification: Likely benign for Tuberous sclerosis 2. Last evaluated: 2025-06-06. Review status: criteria provided, single submitter. Criteria: Myriad Autosomal Dominant, Autosomal Recessive and X-Linked Classification Criteria (2023). Collection method: clinical testing. Allele origin: unknown.
Comment: This variant is considered likely benign. This variant is intronic and is not expected to impact mRNA splicing.